The following is an entry in ClinVar:

ClinVar aggregate classification (germline): Uncertain significance (1 of 4 stars; one submission).

Conditions:
NUAK1-related disorder. Also called: NUAK1-related condition.

Submission:

PreventionGenetics, part of Exact Sciences
Classification: Uncertain significance for NUAK1-related condition. Last evaluated: 2024-12-05. Review status: criteria provided, single submitter. Criteria: ACMG Guidelines, 2015. Collection method: clinical testing. Allele origin: germline.
Comment: The NUAK1 c.1768G>T variant is predicted to result in premature protein termination (p.Glu590*). To our knowledge, this variant has not been reported in the literature or in a large population database (gnomAD), indicating this variant is rare. At this time, the clinical significance of this variant is uncertain due to the absence of conclusive functional and genetic evidence.

NM_014840.3(NUAK1):c.1768G>T (p.Glu590Ter)

Gene: NUAK1 (NUAK family kinase 1; minus strand). Cytogenetic location: 12q23.3.
Variant type: single nucleotide variant.
Coding change: c.1768G>T on transcript NM_014840.3 (MANE Select); coding-DNA position 1768, G replaced by T.
Protein change: p.Glu590Ter; replaces glutamic acid 590 with a stop codon.
Molecular consequence: nonsense.
Genome position (GRCh38, 1-based): chr12:106,067,020, C>A on the plus strand (G>T on the coding strand, the complement: NUAK1 is on the minus strand). VCF-style: chr12-106067020-C-A. GRCh37 (hg19) VCF-style: chr12-106460798-C-A.
Other names: short protein forms E590*.
Identifiers: ClinVar variation 4998139 (VCV004998139.1).
Genomic context (GRCh38, chr12:106,067,020, plus strand): 5'-TCTGGAGGAAGTTTTCTGCAGAGACGCAGCTGCGGATGCGCTGGCGGGCAGGGCGATTCT[C>A]CTGCAAATCCAGCAAGTCAAAAGAGTCGCTGGACAGCACGCTGTCATCGCTGATGACACT-3'